The following is an entry in ClinVar:

NM_001089.3(ABCA3):c.1679A>G (p.Gln560Arg)

Gene: ABCA3 (ATP binding cassette subfamily A member 3; minus strand). Cytogenetic location: 16p13.3.
Variant type: single nucleotide variant.
Coding change: c.1679A>G on transcript NM_001089.3 (MANE Select); coding-DNA position 1679, A replaced by G.
Protein change: p.Gln560Arg; replaces glutamine 560 with arginine.
Molecular consequence: missense variant.
Genome position (GRCh38, 1-based): chr16:2,299,465, T>C on the plus strand (A>G on the coding strand, the complement: ABCA3 is on the minus strand). VCF-style: chr16-2299465-T-C. GRCh37 (hg19) VCF-style: chr16-2349466-T-C.
Other names: short protein forms Q560R.
Identifiers: ClinVar variation 4696707 (VCV004696707.1).

ClinVar aggregate classification (germline): Uncertain significance (1 of 4 stars; one submission).

gnomAD v4.1: 1 of 1,613,940 alleles (0.000062%); highest among the groups gnomAD compares: East Asian, 0.0022%; no homozygotes.

Submission:

Labcorp Genetics (formerly Invitae), Labcorp
Classification: Uncertain significance. Last evaluated: 2025-07-05. Review status: criteria provided, single submitter. Criteria: Invitae Variant Classification Sherloc (09022015). Collection method: clinical testing. Allele origin: germline.
Comment: This sequence change replaces glutamine, which is neutral and polar, with arginine, which is basic and polar, at codon 560 of the ABCA3 protein (p.Gln560Arg). This variant is not present in population databases (gnomAD no frequency). This variant has not been reported in the literature in individuals affected with ABCA3-related conditions. Invitae Evidence Modeling of protein sequence and biophysical properties (such as structural, functional, and spatial information, amino acid conservation, physicochemical variation, residue mobility, and thermodynamic stability) indicates that this missense variant is expected to disrupt ABCA3 protein function with a positive predictive value of 80%. In summary, the available evidence is currently insufficient to determine the role of this variant in disease. Therefore, it has been classified as a Variant of Uncertain Significance.